The following is an entry in ClinVar:

NM_000444.6(PHEX):c.208_212del (p.Val70fs)

Gene: PHEX (phosphate regulating endopeptidase X-linked; plus strand). Cytogenetic location: Xp22.11.
Variant type: Microsatellite.
Coding change: c.208_212del on transcript NM_000444.6 (MANE Select); coding-DNA positions 208 to 212, 5 bases deleted (GTAAA; older notation c.208_212delGTAAA).
Protein change: p.Val70fs; shifts the reading frame from valine 70.
Molecular consequence: frameshift variant.
Genome position (GRCh38, 1-based): chrX:22,047,070-22,047,074, GTAAA deleted; deleting any 5 consecutive bases within chrX:22,047,063-22,047,074 gives the same sequence; the c. name uses the placement nearest the transcript's 3' end. VCF-style (leftmost placement, unchanged base first): chrX-22047062-TAAGTA-T. GRCh37 (hg19) VCF-style: chrX-22065180-TAAGTA-T.
Other names: c.208_212del, p.Val70fs (NM_001282754.2); c.208_212delGTAAA (NM_000444.6); short protein forms V70fs.
Identifiers: ClinVar variation 948148 (VCV000948148.13), dbSNP rs1927568587, ClinGen allele CA645509037.
Genomic context (GRCh38, chrX:22,047,062, plus strand): 5'-ACAACATTCAGTGCTTGTCATTAATCCTATGATTTTCTTTCTAAATAGCTGCTGCCATCT[TAAGTA>T]AAGTAAATCTGTCTGTGGATCCTTGTGATAATTTCTTCCGGTTCGCTTGTGATGGCTGGA-3'

ClinVar aggregate classification (germline): Pathogenic. Review status: criteria provided, multiple submitters, no conflicts (2 of 4 stars). 6 submissions from 6 submitters: Pathogenic (5). 1 of the submissions does not count toward it. Last evaluated 2025-06-18.

Conditions:
PHEX-related disorder. Also called: PHEX-related condition.
Familial X-linked hypophosphatemic vitamin D refractory rickets (XLHRD). Also called: X-Linked Hypophosphatemia; Hypophosphatemia, vitamin D-resistant rickets; Vitamin D-resistant rickets, X-linked; HYPOPHOSPHATEMIC VITAMIN D-RESISTANT RICKETS; Hypophosphatemic Rickets, X-Linked Dominant. Identifiers: Orphanet 89936, MedGen C0733682, MONDO:0010619, OMIM 307800.
Childhood hypophosphatasia. Identifiers: Orphanet 247667, Orphanet 436, MedGen C0220743, MONDO:1010168, OMIM 241510, MONDO:0009428.

Submissions (6):

Labcorp Genetics (formerly Invitae), Labcorp
Classification: Pathogenic. Last evaluated: 2025-06-18. Review status: criteria provided, single submitter. Criteria: Invitae Variant Classification Sherloc (09022015). Collection method: clinical testing. Allele origin: germline.
Comment: This sequence change creates a premature translational stop signal (p.Val70Serfs*7) in the PHEX gene. It is expected to result in an absent or disrupted protein product. Loss-of-function variants in PHEX are known to be pathogenic (PMID: 9097956, 9106524, 19219621). This variant is not present in population databases (gnomAD no frequency). This premature translational stop signal has been observed in individual(s) with hypophosphataemic rickets or bone dysplasia (PMID: 9097956, 26377240). ClinVar contains an entry for this variant (Variation ID: 948148). For these reasons, this variant has been classified as Pathogenic.

Genomic Medicine Center of Excellence, King Faisal Specialist Hospital and Research Centre
Classification: Pathogenic for Familial X-linked hypophosphatemic vitamin D refractory rickets. Last evaluated: 2024-01-12. Review status: criteria provided, single submitter. Criteria: ACMG Guidelines, 2015. Collection method: clinical testing. Allele origin: germline.

Blueprint Genetics
Classification: Pathogenic for PHEX-related disorders. Last evaluated: 2023-06-07. Review status: criteria provided, single submitter. Criteria: ACMG Guidelines, 2015. Collection method: clinical testing. Allele origin: germline. Affected: yes. Observed: 2 variant alleles.

Fulgent Genetics
Classification: Pathogenic for Familial X-linked hypophosphatemic vitamin D refractory rickets. Last evaluated: 2021-10-04. Review status: criteria provided, single submitter. Criteria: ACMG Guidelines, 2015. Collection method: clinical testing. Allele origin: unknown.

MNM Diagnostics
Classification: Pathogenic for Familial X-linked hypophosphatemic vitamin D refractory rickets. Last evaluated: 2019-08-25. Review status: criteria provided, single submitter. Criteria: ACMG Guidelines, 2015. Collection method: clinical testing. Allele origin: de novo. Affected: yes.
Comment: This is a frame-shift mutation resulting in truncated protein, whose LOF is a known mechanism of X-linked hypophosphatemic rickets (XLHR) (PVS1). It is located within functional protein domain (PM1), and patient's phenotype is specific for the disease of monogenic etiology (PP4).

Department of Pediatric Endocrinology, Shriners Hospitals for Children - Mexico City
No classification provided. Condition: Childhood hypophosphatasia. Review status: no classification provided. Collection method: phenotyping only. Allele origin: germline. Inheritance: X-linked dominant inheritance. Affected: yes. Observed: 1 variant allele, 1 hemizygote. Not counted in ClinVar's aggregate classification.

Literature cited by the submitters: PubMed 9097956 (cited by Labcorp Genetics (formerly Invitae), Labcorp); PubMed 9106524 (cited by Labcorp Genetics (formerly Invitae), Labcorp); PubMed 19219621 (cited by Labcorp Genetics (formerly Invitae), Labcorp); PubMed 26377240 (cited by Labcorp Genetics (formerly Invitae), Labcorp).